The following is an entry in ClinVar:

ClinVar aggregate classification (germline): Uncertain significance (1 of 4 stars; one submission).

Conditions:
Cardiovascular phenotype. Identifiers: MedGen CN230736.
Hereditary cancer-predisposing syndrome. Also called: Neoplastic Syndromes, Hereditary; Tumor predisposition; Hereditary neoplastic syndrome; Hereditary Cancer Syndrome. Identifiers: Orphanet 140162, MedGen C0027672, MeSH D009386, MONDO:0015356.

Submission:

Ambry Genetics
Classification: Uncertain significance for Cardiovascular phenotype; Hereditary cancer-predisposing syndrome. Last evaluated: 2026-09-02. Review status: criteria provided, single submitter. Criteria: Ambry Variant Classification Scheme 2023. Collection method: clinical testing. Allele origin: germline.
Comment: The c.-4C>G variant is located in the 5' untranslated region (5&rsquo; UTR) of the LZTR1 gene. This variant results from a C to G substitution 4 bases upstream from the first translated codon. This nucleotide position is well conserved in available vertebrate species. Based on the available evidence, the clinical significance of this variant remains unclear.

NM_006767.4(LZTR1):c.-4C>G

Genes: LZTR1 (leucine zipper like post translational regulator 1; plus strand), LOC130067016 (ATAC-STARR-seq lymphoblastoid silent region 13504; plus strand). Cytogenetic location: 22q11.21.
Variant type: single nucleotide variant.
Coding change: c.-4C>G on transcript NM_006767.4 (MANE Select); 4 bases upstream of the start codon, C replaced by G.
Molecular consequence: 5 prime UTR variant.
Genome position (GRCh38, 1-based): chr22:20,982,368, C>G. VCF-style: chr22-20982368-C-G. GRCh37 (hg19) VCF-style: chr22-21336657-C-G.
Identifiers: ClinVar variation 5023796 (VCV005023796.1).